The following is an entry in ClinVar:

ClinVar aggregate classification (germline): Pathogenic/Likely pathogenic. Review status: criteria provided, multiple submitters, no conflicts (2 of 4 stars). 4 submissions from 4 submitters: Pathogenic (1); Likely pathogenic (3). Last evaluated 2026-01-19.

Conditions:
Testosterone 17-beta-dehydrogenase deficiency. Also called: 46,XY disorder of sex development due to 17-beta-hydroxysteroid dehydrogenase 3 deficiency; Pseudohermaphroditism male with gynecomastia; 17 alpha ketosteroid reductase deficiency of testis; 17 alpha KSR deficiency; Neutral 17 beta hydroxysteroid oxidoreductase deficiency; Male pseudoherma-phroditism with gynecomastia. Identifiers: Orphanet 752, MedGen C0268296, MONDO:0009916, OMIM 264300. Disease mechanism: loss of function.

Allele frequency attached by ClinVar (database versions not stated): gnomAD exomes 0.00001 and 0.00005; ExAC 0.00002; gnomAD 0.00003 and 0.00004; TOPMed 0.00005; ESP Exome Variant Server 0.00008.
gnomAD v4.1: 75 of 1,614,072 alleles (0.0046%); highest among the groups gnomAD compares: Non-Finnish European, 0.0063%; no homozygotes.

Submissions (4):

Labcorp Genetics (formerly Invitae), Labcorp
Classification: Pathogenic. Last evaluated: 2026-01-19. Review status: criteria provided, single submitter. Criteria: Invitae Variant Classification Sherloc (09022015). Collection method: clinical testing. Allele origin: germline.
Comment: This sequence change replaces glutamic acid, which is acidic and polar, with glycine, which is neutral and non-polar, at codon 214 of the HSD17B3 protein (p.Glu214Gly). This variant is present in population databases (rs370264627, gnomAD 0.003%). This missense change has been observed in individual(s) with clinical features of 17-beta-hydroxysteroid dehydrogenase type 3 deficiency (PMID: 33984517, 36110220). In at least one individual the data is consistent with being in trans (on the opposite chromosome) from a pathogenic variant. It has also been observed to segregate with disease in related individuals. ClinVar contains an entry for this variant (Variation ID: 913468). Invitae Evidence Modeling of protein sequence and biophysical properties (such as structural, functional, and spatial information, amino acid conservation, physicochemical variation, residue mobility, and thermodynamic stability) indicates that this missense variant is not expected to disrupt HSD17B3 protein function with a negative predictive value of 80%. Experimental studies have shown that this missense change affects HSD17B3 function (PMID: 33984517). For these reasons, this variant has been classified as Pathogenic.

Illumina Laboratory Services, Illumina
Classification: Likely pathogenic for Testosterone 17-beta-dehydrogenase deficiency. Last evaluated: 2025-02-13. Review status: criteria provided, single submitter. Criteria: ICSLVariantClassificationCriteria RUGD 01 April 2020. Collection method: clinical testing. Allele origin: unknown.

Fulgent Genetics
Classification: Likely pathogenic for Testosterone 17-beta-dehydrogenase deficiency. Last evaluated: 2024-04-06. Review status: criteria provided, single submitter. Criteria: ACMG Guidelines, 2015. Collection method: clinical testing. Allele origin: germline.

Women's Health and Genetics/Laboratory Corporation of America, LabCorp
Classification: Likely pathogenic for Testosterone 17-beta-dehydrogenase deficiency. Last evaluated: 2024-04-05. Review status: criteria provided, single submitter. Criteria: LabCorp Variant Classification Summary - May 2015. Collection method: clinical testing. Allele origin: germline.
Comment: Variant summary: HSD17B3 c.641A>G (p.Glu214Gly) results in a non-conservative amino acid change in the encoded protein sequence. Three of five in-silico tools predict a benign effect of the variant on protein function. The variant allele was found at a frequency of 1.2e-05 in 251476 control chromosomes. c.641A>G has been reported in the literature in individuals affected with clinical features of Testosterone 17-beta-dehydrogenase deficiency (e.g., Luna_2021, Zidoune_2022, Ea_2021). These data indicate that the variant may be associated with disease. At least one publication reports experimental evidence evaluating an impact on protein function. Transfected HEK-293 cells with the variant demonstrated significantly reduced conversion of androstenedione to testosterone compared to WT. The following publications have been ascertained in the context of this evaluation (PMID: 33468338, 33984517, 36110220). ClinVar contains an entry for this variant (Variation ID: 913468). Based on the evidence outlined above, the variant was classified as likely pathogenic.

Literature cited by the submitters: PubMed 33984517 (cited by Labcorp Genetics (formerly Invitae), Labcorp and Women's Health and Genetics/Laboratory Corporation of America, LabCorp); PubMed 36110220 (cited by Labcorp Genetics (formerly Invitae), Labcorp and Women's Health and Genetics/Laboratory Corporation of America, LabCorp); PubMed 33468338 (cited by Women's Health and Genetics/Laboratory Corporation of America, LabCorp).

NM_000197.2(HSD17B3):c.641A>G (p.Glu214Gly)

Genes: HSD17B3 (hydroxysteroid 17-beta dehydrogenase 3; minus strand), SLC35D2-HSD17B3 (SLC35D2-HSD17B3 readthrough; minus strand). Cytogenetic location: 9q22.32.
Variant type: single nucleotide variant.
Coding change: c.641A>G on transcript NM_000197.2 (MANE Select); coding-DNA position 641, A replaced by G.
Protein change: p.Glu214Gly; replaces glutamic acid 214 with glycine.
Molecular consequence: missense variant.
Genome position (GRCh38, 1-based): chr9:96,244,360, T>C on the plus strand (A>G on the coding strand, the complement: HSD17B3 is on the minus strand). VCF-style: chr9-96244360-T-C. GRCh37 (hg19) VCF-style: chr9-99006642-T-C.
Other names: short protein forms E214G.
Identifiers: ClinVar variation 913468 (VCV000913468.11), dbSNP rs370264627, ClinGen allele CA5140318.
Genomic context (GRCh38, chr9:96,244,360, plus strand): 5'-GACAAGGACTCCACAGCTGCCCACCTCACCTGGATGATGACTTCTTTTGCTTTATATTCC[T>C]CTTGCAGGGCCTTGGAAAATGCGCACACAAACGCCTGGAGCAAGAAGGAGAGACACCTGA-3'
Protein context (NP_000188.1, residues 204-224): FVCAFSKALQ[Glu214Gly]EYKAKEVIIQ